The following is an entry in ClinVar:

ClinVar aggregate classification (germline): Uncertain significance (1 of 4 stars; one submission).

Conditions:
Arrhythmogenic right ventricular dysplasia 8 (ARVD8). Also called: Arrhythmogenic Right Ventricular Dysplasia/Cardiomyopathy 8; ARRHYTHMOGENIC RIGHT VENTRICULAR DYSPLASIA, FAMILIAL, 8; ARRHYTHMOGENIC RIGHT VENTRICULAR CARDIOMYOPATHY 8. Identifiers: MedGen C1843896, MONDO:0011831, OMIM 607450.
Arrhythmogenic cardiomyopathy with wooly hair and keratoderma. Also called: PALMOPLANTAR KERATODERMA WITH LEFT VENTRICULAR CARDIOMYOPATHY AND WOOLLY HAIR; Carvajal syndrome; Dilated cardiomyopathy with woolly hair and keratoderma; Arrhythmogenic cardiomyopathy with woolly hair and keratoderma. Identifiers: Orphanet 65282, MedGen C1854063, MONDO:0011581, OMIM 605676.

gnomAD v4.1: 1 of 1,613,884 alleles (0.000062%); highest among the groups gnomAD compares: Non-Finnish European, 0.000085%; no homozygotes.

Submission:

Labcorp Genetics (formerly Invitae), Labcorp
Classification: Uncertain significance for Arrhythmogenic cardiomyopathy with wooly hair and keratoderma; Arrhythmogenic right ventricular dysplasia 8. Last evaluated: 2024-06-30. Review status: criteria provided, single submitter. Criteria: Invitae Variant Classification Sherloc (09022015). Collection method: clinical testing. Allele origin: germline.
Comment: This sequence change replaces serine, which is neutral and polar, with phenylalanine, which is neutral and non-polar, at codon 262 of the DSP protein (p.Ser262Phe). This variant is not present in population databases (gnomAD no frequency). This variant has not been reported in the literature in individuals affected with DSP-related conditions. An algorithm developed to predict the effect of missense changes on protein structure and function (PolyPhen-2) suggests that this variant is likely to be disruptive. In summary, the available evidence is currently insufficient to determine the role of this variant in disease. Therefore, it has been classified as a Variant of Uncertain Significance.

NM_004415.4(DSP):c.785C>T (p.Ser262Phe)

Gene: DSP (desmoplakin; plus strand). Cytogenetic location: 6p24.3.
Variant type: single nucleotide variant.
Coding change: c.785C>T on transcript NM_004415.4 (MANE Select); coding-DNA position 785, C replaced by T.
Protein change: p.Ser262Phe; replaces serine 262 with phenylalanine.
Molecular consequence: missense variant.
Genome position (GRCh38, 1-based): chr6:7,565,366, C>T. VCF-style: chr6-7565366-C-T. GRCh37 (hg19) VCF-style: chr6-7565599-C-T.
Other names: c.785C>T, p.Ser262Phe (NM_001008844.3, NM_001319034.2, NM_001406591.1); short protein forms S262F.
Identifiers: ClinVar variation 3756444 (VCV003756444.2).